The following is an entry in ClinVar:

NM_001330691.3(CEP78):c.1412A>C (p.Lys471Thr)

Gene: CEP78 (centrosomal protein 78; plus strand). Cytogenetic location: 9q21.2.
Variant type: single nucleotide variant.
Coding change: c.1412A>C on transcript NM_001330691.3 (MANE Select); coding-DNA position 1412, A replaced by C.
Protein change: p.Lys471Thr; replaces lysine 471 with threonine.
Molecular consequence: missense variant.
Genome position (GRCh38, 1-based): chr9:78,262,938, A>C. VCF-style: chr9-78262938-A-C. GRCh37 (hg19) VCF-style: chr9-80877854-A-C.
Other names: c.1415A>C, p.Lys472Thr (NM_001098802.3, NM_001349839.2, NM_001349840.2 and 1 more transcripts); c.1412A>C, p.Lys471Thr (NM_001330693.3, NM_001330694.2, NM_001349838.2); short protein forms K471T, K472T.
Identifiers: ClinVar variation 847547 (VCV000847547.10), dbSNP rs578137318, ClinGen allele CA5095255.

ClinVar aggregate classification (germline): Conflicting classifications of pathogenicity. Review status: criteria provided, conflicting classifications (1 of 4 stars). 3 submissions from 3 submitters: Uncertain significance (1); Likely benign (2). Last evaluated 2025-11-24.

Conditions:
CEP78-related disorder. Also called: CEP78-related condition.

Allele frequency attached by ClinVar (database versions not stated): gnomAD 0.00011 and 0.00013; 1000 Genomes Project 0.00020; TOPMed 0.00030; 1000 Genomes Project 30x 0.00031.

Submissions (3):

Labcorp Genetics (formerly Invitae), Labcorp
Classification: Likely benign. Last evaluated: 2025-11-24. Review status: criteria provided, single submitter. Criteria: Invitae Variant Classification Sherloc (09022015). Collection method: clinical testing. Allele origin: germline.

PreventionGenetics, part of Exact Sciences
Classification: Likely benign for CEP78-related condition. Last evaluated: 2024-10-24. Review status: criteria provided, single submitter. Criteria: ACMG Guidelines, 2015. Collection method: clinical testing. Allele origin: germline.
Comment: This variant is classified as likely benign based on ACMG/AMP sequence variant interpretation guidelines (Richards et al. 2015 PMID: 25741868, with internal and published modifications).

Blueprint Genetics
Classification: Uncertain significance. Last evaluated: 2024-07-12. Review status: criteria provided, single submitter. Criteria: ACMG Guidelines, 2015. Collection method: clinical testing. Allele origin: germline.